The following is an entry in ClinVar:

ClinVar aggregate classification (germline): Uncertain significance (1 of 4 stars; one submission).

Conditions:
Fanconi anemia (FA). Also called: Fanconi's anemia. Identifiers: Orphanet 84, MedGen C0015625, MeSH D005199, MONDO:0019391.

Submission:

Labcorp Genetics (formerly Invitae), Labcorp
Classification: Uncertain significance for Fanconi anemia. Last evaluated: 2024-01-31. Review status: criteria provided, single submitter. Criteria: Invitae Variant Classification Sherloc (09022015). Collection method: clinical testing. Allele origin: germline.
Comment: This sequence change replaces threonine, which is neutral and polar, with serine, which is neutral and polar, at codon 1195 of the FANCM protein (p.Thr1195Ser). This variant is not present in population databases (gnomAD no frequency). This variant has not been reported in the literature in individuals affected with FANCM-related conditions. An algorithm developed to predict the effect of missense changes on protein structure and function (PolyPhen-2) suggests that this variant is likely to be tolerated. In summary, the available evidence is currently insufficient to determine the role of this variant in disease. Therefore, it has been classified as a Variant of Uncertain Significance.

NM_020937.4(FANCM):c.3584C>G (p.Thr1195Ser)

Gene: FANCM (FA complementation group M; plus strand). Cytogenetic location: 14q21.2.
Variant type: single nucleotide variant.
Coding change: c.3584C>G on transcript NM_020937.4 (MANE Select); coding-DNA position 3584, C replaced by G.
Protein change: p.Thr1195Ser; replaces threonine 1195 with serine.
Molecular consequence: missense variant.
Genome position (GRCh38, 1-based): chr14:45,176,338, C>G. VCF-style: chr14-45176338-C-G. GRCh37 (hg19) VCF-style: chr14-45645541-C-G.
Other names: c.3506C>G, p.Thr1169Ser (NM_001308133.2); short protein forms T1195S, T1169S.
Identifiers: ClinVar variation 2714305 (VCV002714305.3), dbSNP rs1888695422, ClinGen allele CA389602173.